The following is an entry in ClinVar:

ClinVar aggregate classification (germline): Uncertain significance (1 of 4 stars; one submission).

Conditions:
Hereditary sensory and autonomic neuropathy type 6. Also called: Neuropathy, hereditary sensory and autonomic, type VI; HSAN VI. Identifiers: Orphanet 314381, MedGen C3539003, MONDO:0013839, OMIM 614653.
Epidermolysis bullosa simplex 3, localized or generalized intermediate, with BP230 deficiency (EBS3). Also called: Epidermolysis bullosa simplex due to BP230 deficiency; Epidermolysis bullosa simplex, autosomal recessive 2. Identifiers: Orphanet 412181, MedGen C3809470, MONDO:0014180, OMIM 615425.

Allele frequency attached by ClinVar (database versions not stated): ExAC 0.00002; gnomAD exomes 0.00002 and 0.00009; TOPMed 0.00002; gnomAD 0.00003 and 0.00004.
gnomAD v4.1: 138 of 1,610,098 alleles (0.0086%); highest among the groups gnomAD compares: Non-Finnish European, 0.011%; no homozygotes.

Submission:

Labcorp Genetics (formerly Invitae), Labcorp
Classification: Uncertain significance for Epidermolysis bullosa simplex 3, localized or generalized intermediate, with BP230 deficiency; Hereditary sensory and autonomic neuropathy type 6. Last evaluated: 2024-06-21. Review status: criteria provided, single submitter. Criteria: Invitae Variant Classification Sherloc (09022015). Collection method: clinical testing. Allele origin: germline.
Comment: The DST gene has multiple clinically relevant transcripts. This variant occurs in alternate transcript NM_015548.4, and corresponds to NM_001723.5:c.*46948A>C in the primary transcript. This sequence change replaces lysine, which is basic and polar, with asparagine, which is neutral and polar, at codon 2012 of the DST protein (p.Lys2012Asn). This variant is present in population databases (rs775261733, gnomAD 0.005%). This variant has not been reported in the literature in individuals affected with DST-related conditions. Experimental studies and prediction algorithms are not available or were not evaluated, and the functional significance of this variant is currently unknown. In summary, the available evidence is currently insufficient to determine the role of this variant in disease. Therefore, it has been classified as a Variant of Uncertain Significance.

NM_001374736.1(DST):c.13905A>C (p.Lys4635Asn)

Gene: DST (dystonin; minus strand). Cytogenetic location: 6p12.1.
Variant type: single nucleotide variant.
Coding change: c.13905A>C on transcript NM_001374736.1 (MANE Select); coding-DNA position 13905, A replaced by C.
Protein change: p.Lys4635Asn; replaces lysine 4635 with asparagine.
Molecular consequence: missense variant.
Genome position (GRCh38, 1-based): chr6:56,568,569, T>G on the plus strand (A>C on the coding strand, the complement: DST is on the minus strand). VCF-style: chr6-56568569-T-G. GRCh37 (hg19) VCF-style: chr6-56433367-T-G.
Other names: c.7548A>C, p.Lys2516Asn (NM_001144769.5); c.7134A>C, p.Lys2378Asn (NM_001144770.2); c.13905A>C, p.Lys4635Asn (NM_001374722.1); c.13272A>C, p.Lys4424Asn (NM_001374729.1); c.7014A>C, p.Lys2338Asn (NM_001374730.1, NM_001386100.1, NM_183380.4); c.13932A>C, p.Lys4644Asn (NM_001374734.1); c.6036A>C, p.Lys2012Asn (NM_015548.5); short protein forms K2338N, K2378N, K4424N, K2012N, K2516N, K4635N, K4644N.
Identifiers: ClinVar variation 1401970 (VCV001401970.4), dbSNP rs775261733, ClinGen allele CA3868141.